The following is an entry in ClinVar:

NM_001292063.2(OTOG):c.94+75G>T

Gene: OTOG (otogelin; plus strand). Cytogenetic location: 11p15.1.
Variant type: single nucleotide variant.
Coding change: c.94+75G>T on transcript NM_001292063.2 (MANE Select); 75 bases into the intron after coding-DNA position 94, G replaced by T.
Molecular consequence: intron variant. On other transcripts: missense variant (1).
Genome position (GRCh38, 1-based): chr11:17,547,541, G>T. VCF-style: chr11-17547541-G-T. GRCh37 (hg19) VCF-style: chr11-17569088-G-T.
Other names: c.169G>T, p.Ala57Ser (NM_001277269.2); short protein forms A57S.
Identifiers: ClinVar variation 506139 (VCV000506139.16), dbSNP rs550807341, ClinGen allele CA5905312.

ClinVar aggregate classification (germline): Conflicting classifications of pathogenicity. Review status: criteria provided, conflicting classifications (1 of 4 stars). 5 submissions from 5 submitters: Uncertain significance (1); Likely benign (3). 1 of the submissions does not count toward it. Last evaluated 2025-09-17.

Conditions:
OTOG-related disorder. Also called: OTOG-related condition.

Allele frequency attached by ClinVar (database versions not stated): ExAC below 0.00001; gnomAD exomes 0.00028; gnomAD 0.00045; TOPMed 0.00088; 1000 Genomes Project 30x 0.00094; 1000 Genomes Project 0.00100.
gnomAD v4.1: 225 of 1,277,382 alleles (0.018%); highest among the groups gnomAD compares: East Asian, 0.51%; 2 homozygotes.

Submissions (5):

GeneDx
Classification: Uncertain significance. Last evaluated: 2025-09-17. Review status: criteria provided, single submitter. Criteria: GeneDx Variant Classification Process June 2021. Collection method: clinical testing. Allele origin: germline. Affected: yes.
Comment: In silico analysis suggests that this missense variant does not alter protein structure/function; Has not been previously published as pathogenic or benign to our knowledge

Labcorp Genetics (formerly Invitae), Labcorp
Classification: Likely benign. Last evaluated: 2025-04-22. Review status: criteria provided, single submitter. Criteria: Invitae Variant Classification Sherloc (09022015). Collection method: clinical testing. Allele origin: germline.

Blueprint Genetics
Classification: Likely benign. Last evaluated: 2024-10-08. Review status: criteria provided, single submitter. Criteria: ACMG Guidelines, 2015. Collection method: clinical testing. Allele origin: germline.

Laboratory for Molecular Medicine, Mass General Brigham Personalized Medicine
Classification: Likely benign. Last evaluated: 2017-09-14. Review status: criteria provided, single submitter. Criteria: LMM Criteria. Collection method: clinical testing. Allele origin: germline. Observed: 1 variant allele.
Comment: p.Ala57Ser in exon 1 of OTOG: This variant is not expected to have clinical sign ificance because it has been identified in 0.8% (14/1838) of East Asian chromoso mes by the Genome Aggregation Database (gnomAD ; dbSNP rs550807341).

PreventionGenetics, part of Exact Sciences
Classification: Benign for OTOG-related condition. Last evaluated: 2020-03-27. Review status: no assertion criteria provided. Collection method: clinical testing. Allele origin: germline. Not counted in ClinVar's aggregate classification.
Comment: This variant is classified as benign based on ACMG/AMP sequence variant interpretation guidelines (Richards et al. 2015 PMID: 25741868, with internal and published modifications).